The following is an entry in ClinVar:

NM_133433.4(NIPBL):c.7967dup (p.Gly2657fs)

Gene: NIPBL (NIPBL cohesin loading factor; plus strand). Cytogenetic location: 5p13.2.
Variant type: Duplication.
Coding change: c.7967dup on transcript NM_133433.4 (MANE Select); coding-DNA position 7967, one base duplicated (G; older notation c.7967dupG).
Protein change: p.Gly2657fs; shifts the reading frame from glycine 2657.
Molecular consequence: frameshift variant.
Genome position (GRCh38, 1-based): chr5:37,063,896, G duplicated; the last of 2 consecutive G bases (chr5:37,063,895-37,063,896); duplicating either gives the same sequence. VCF-style (leftmost placement, unchanged base first): chr5-37063894-A-AG. GRCh37 (hg19) VCF-style: chr5-37063996-A-AG.
Other names: c.7967dup, p.Gly2657fs (NM_015384.5); short protein forms G2657fs.
Identifiers: ClinVar variation 837908 (VCV000837908.8), dbSNP rs1755082448, ClinGen allele CA916082700.

ClinVar aggregate classification (germline): Pathogenic (1 of 4 stars; one submission).

Conditions:
Cornelia de Lange syndrome 1 (CDLS1). Also called: TYPUS DEGENERATIVUS AMSTELODAMENSIS; Brachmann de Lange syndrome; NIPBL-Related Cornelia de Lange Syndrome. Identifiers: Orphanet 199, MedGen C4551851, MONDO:0007387, OMIM 122470.

Submission:

Labcorp Genetics (formerly Invitae), Labcorp
Classification: Pathogenic for Cornelia de Lange syndrome 1. Last evaluated: 2019-01-16. Review status: criteria provided, single submitter. Criteria: Invitae Variant Classification Sherloc (09022015). Collection method: clinical testing. Allele origin: germline.
Comment: For these reasons, this variant has been classified as Pathogenic. Loss-of-function variants in NIPBL are known to be pathogenic (PMID: 15318302, 19763162, 23505322, 29995837). This variant has not been reported in the literature in individuals with NIPBL-related conditions. This variant is not present in population databases (ExAC no frequency). This sequence change creates a premature translational stop signal (p.Gly2657Argfs*4) in the NIPBL gene. It is expected to result in an absent or disrupted protein product.

Literature cited by the submitters: PubMed 15318302; PubMed 19763162; PubMed 23505322; PubMed 29995837.